The following is an entry in ClinVar:

ClinVar aggregate classification (germline): Uncertain significance. Review status: criteria provided, multiple submitters, no conflicts (2 of 4 stars). 2 submissions from 2 submitters: Uncertain significance (2). Last evaluated 2024-03-17.

Conditions:
Glycogen storage disease, type II (IOPD). Also called: GSD II; Glucosidase acid-1,4-alpha deficiency; POMPE DISEASE, INFANTILE-ONSET; GLYCOGEN STORAGE DISEASE II, INFANTILE-ONSET; ACID ALPHA-GLUCOSIDASE DEFICIENCY, INFANTILE-ONSET; GAA DEFICIENCY, INFANTILE-ONSET. Identifiers: Orphanet 365, MedGen C0017921, MONDO:0009290, OMIM 232300.

Allele frequency attached by ClinVar (database versions not stated): TOPMed below 0.00001.

Submissions (2):

Labcorp Genetics (formerly Invitae), Labcorp
Classification: Uncertain significance for Glycogen storage disease, type II. Last evaluated: 2024-03-17. Review status: criteria provided, single submitter. Criteria: Invitae Variant Classification Sherloc (09022015). Collection method: clinical testing. Allele origin: germline.
Comment: This sequence change falls in intron 6 of the GAA gene. It does not directly change the encoded amino acid sequence of the GAA protein. This variant is not present in population databases (gnomAD no frequency). This variant has been observed in individual(s) with Pompe disease (Invitae). In at least one individual the data is consistent with being in trans (on the opposite chromosome) from a pathogenic variant. ClinVar contains an entry for this variant (Variation ID: 2431970). Algorithms developed to predict the effect of sequence changes on RNA splicing suggest that this variant may disrupt the consensus splice site. In summary, the available evidence is currently insufficient to determine the role of this variant in disease. Therefore, it has been classified as a Variant of Uncertain Significance.

Revvity Omics, Revvity
Classification: Uncertain significance. Last evaluated: 2019-07-11. Review status: criteria provided, single submitter. Criteria: ACMG Guidelines, 2015. Collection method: clinical testing. Allele origin: germline.

NM_000152.5(GAA):c.1076-10T>A

Gene: GAA (alpha glucosidase; plus strand). Cytogenetic location: 17q25.3.
Variant type: single nucleotide variant.
Coding change: c.1076-10T>A on transcript NM_000152.5 (MANE Select); 10 bases into the intron before coding-DNA position 1076, T replaced by A.
Molecular consequence: intron variant.
Genome position (GRCh38, 1-based): chr17:80,108,479, T>A. VCF-style: chr17-80108479-T-A. GRCh37 (hg19) VCF-style: chr17-78082278-T-A.
Other names: c.1076-10T>A (NM_001079803.3, NM_001079804.3).
Identifiers: ClinVar variation 2431970 (VCV002431970.5), dbSNP rs2039148366, ClinGen allele CA2277812774.